The following is an entry in ClinVar:

NM_020937.4(FANCM):c.717T>G (p.Phe239Leu)

Gene: FANCM (FA complementation group M; plus strand). Cytogenetic location: 14q21.2.
Variant type: single nucleotide variant.
Coding change: c.717T>G on transcript NM_020937.4 (MANE Select); coding-DNA position 717, T replaced by G.
Protein change: p.Phe239Leu; replaces phenylalanine 239 with leucine.
Molecular consequence: missense variant. On other transcripts: intron variant (1).
Genome position (GRCh38, 1-based): chr14:45,140,667, T>G. VCF-style: chr14-45140667-T-G. GRCh37 (hg19) VCF-style: chr14-45609870-T-G.
Other names: c.717T>G, p.Phe239Leu (NM_001308134.2); c.681+3426T>G (NM_001308133.2); short protein forms F239L.
Identifiers: ClinVar variation 1525269 (VCV001525269.8), dbSNP rs1365220972, ClinGen allele CA389589106.

ClinVar aggregate classification (germline): Uncertain significance (1 of 4 stars; one submission).

Conditions:
Fanconi anemia (FA). Also called: Fanconi's anemia. Identifiers: Orphanet 84, MedGen C0015625, MeSH D005199, MONDO:0019391.

Submission:

Labcorp Genetics (formerly Invitae), Labcorp
Classification: Uncertain significance for Fanconi anemia. Last evaluated: 2021-04-11. Review status: criteria provided, single submitter. Criteria: Invitae Variant Classification Sherloc (09022015). Collection method: clinical testing. Allele origin: germline.
Comment: Algorithms developed to predict the effect of missense changes on protein structure and function are either unavailable or do not agree on the potential impact of this missense change (SIFT: "Deleterious"; PolyPhen-2: "Benign"; Align-GVGD: "Class C0"). In summary, the available evidence is currently insufficient to determine the role of this variant in disease. Therefore, it has been classified as a Variant of Uncertain Significance. This variant has not been reported in the literature in individuals with FANCM-related conditions. This variant is not present in population databases (ExAC no frequency). This sequence change replaces phenylalanine with leucine at codon 239 of the FANCM protein (p.Phe239Leu). The phenylalanine residue is moderately conserved and there is a small physicochemical difference between phenylalanine and leucine.